The following is an entry in ClinVar:

ClinVar aggregate classification (germline): Uncertain significance (1 of 4 stars; one submission).

Allele frequency attached by ClinVar (database versions not stated): gnomAD exomes below 0.00001.
gnomAD v4.1: 1 of 1,613,784 alleles (0.000062%); highest among the groups gnomAD compares: Non-Finnish European, 0.000085%; no homozygotes.

Submission:

Labcorp Genetics (formerly Invitae), Labcorp
Classification: Uncertain significance. Last evaluated: 2025-06-23. Review status: criteria provided, single submitter. Criteria: Invitae Variant Classification Sherloc (09022015). Collection method: clinical testing. Allele origin: germline.
Comment: This sequence change replaces serine, which is neutral and polar, with alanine, which is neutral and non-polar, at codon 67 of the ITPR1 protein (p.Ser67Ala). This variant is not present in population databases (gnomAD no frequency). This variant has not been reported in the literature in individuals affected with ITPR1-related conditions. ClinVar contains an entry for this variant (Variation ID: 2081785). Invitae Evidence Modeling of protein sequence and biophysical properties (such as structural, functional, and spatial information, amino acid conservation, physicochemical variation, residue mobility, and thermodynamic stability) has been performed for this missense variant. However, the output from this modeling did not meet the statistical confidence thresholds required to predict the impact of this variant on ITPR1 protein function. In summary, the available evidence is currently insufficient to determine the role of this variant in disease. Therefore, it has been classified as a Variant of Uncertain Significance.

NM_001378452.1(ITPR1):c.199T>G (p.Ser67Ala)

Gene: ITPR1 (inositol 1,4,5-trisphosphate receptor type 1; plus strand). Cytogenetic location: 3p26.1.
Variant type: single nucleotide variant.
Coding change: c.199T>G on transcript NM_001378452.1 (MANE Select); coding-DNA position 199, T replaced by G.
Protein change: p.Ser67Ala; replaces serine 67 with alanine.
Molecular consequence: missense variant.
Genome position (GRCh38, 1-based): chr3:4,627,798, T>G. VCF-style: chr3-4627798-T-G. GRCh37 (hg19) VCF-style: chr3-4669482-T-G.
Other names: c.199T>G, p.Ser67Ala (NM_001099952.4, NM_001168272.2, NM_002222.7); short protein forms S67A.
Identifiers: ClinVar variation 2081785 (VCV002081785.4), dbSNP rs2470550370, ClinGen allele CA351630686.
Genomic context (GRCh38, chr3:4,627,798, plus strand): 5'-TTCTGTTTGTTTGCTTCACTTCTAGACTGCCTCTTTAAGCTATGTCCCATGAACCGCTAC[T>G]CTGCCCAAAAGCAGTTCTGGAAAGCCGCTAAGCCTGGGGCCAACAGCACCACAGACGCAG-3'
Protein context (NP_001365381.1, residues 57-77): LFKLCPMNRY[Ser67Ala]AQKQFWKAAK